The following is an entry in ClinVar:

NM_175914.5(HNF4A):c.*867G>A

Gene: HNF4A (hepatocyte nuclear factor 4 alpha; plus strand). Cytogenetic location: 20q13.12.
Variant type: single nucleotide variant.
Coding change: c.*867G>A on transcript NM_175914.5 (MANE Select); 867 bases downstream of the stop codon, G replaced by A.
Molecular consequence: 3 prime UTR variant.
Genome position (GRCh38, 1-based): chr20:44,430,532, G>A. VCF-style: chr20-44430532-G-A. GRCh37 (hg19) VCF-style: chr20-43059172-G-A.
Other names: c.*867G>A (NM_000457.6, NM_001030003.3, NM_001258355.2 and 3 more transcripts).
Identifiers: ClinVar variation 897218 (VCV000897218.5), dbSNP rs940169046, ClinGen allele CA315421479.

ClinVar aggregate classification (germline): Conflicting classifications of pathogenicity. Review status: criteria provided, conflicting classifications (1 of 4 stars). 3 submissions from 2 submitters: Uncertain significance (2); Benign (1). Last evaluated 2018-01-12.

Conditions:
Maturity-onset diabetes of the young (MODY). Also called: Maturity onset diabetes mellitus in young. Identifiers: Orphanet 552, MedGen C0342276, MONDO:0018911, HP:0004904.
Familial hyperinsulinism. Also called: Congenital hyperinsulinism. Identifiers: Orphanet 276525, MedGen C3888018, MONDO:0017182. Disease mechanism: loss of function.
Maturity-onset diabetes of the young type 1. Also called: MODY type 1; Diabetes mellitus MODY type 1; MODY HNF4A related; MILD JUVENILE DIABETES MELLITUS; HNF4A-Related Maturity-Onset Diabetes of the Young Type 1; MODY, type I. Identifiers: Orphanet 552, MedGen C1852093, MONDO:0007452, OMIM 125850. Disease mechanism: loss of function.

Allele frequency attached by ClinVar (database versions not stated): gnomAD 0.00002 and 0.00003; TOPMed 0.00002.

Submissions (3):

Illumina Laboratory Services, Illumina
Classification: Uncertain significance for Familial hyperinsulinism. Last evaluated: 2018-01-12. Review status: criteria provided, single submitter. Criteria: ICSL Variant Classification Criteria 13 December 2019. Collection method: clinical testing. Allele origin: germline.

Illumina Laboratory Services, Illumina
Classification: Uncertain significance for Maturity-onset diabetes of the young type 1. Last evaluated: 2018-01-12. Review status: criteria provided, single submitter. Criteria: ICSL Variant Classification Criteria 13 December 2019. Collection method: clinical testing. Allele origin: germline.

Clinical Genomics, Uppaluri K&H Personalized Medicine Clinic
Classification: Benign for Maturity-onset diabetes of the young. Review status: criteria provided, single submitter. Criteria: K & H Uppaluri Personalized Medicine Clinic Variant Classification & Assertion Criteria_Updated V.1. Collection method: research. Allele origin: unknown. Inheritance: Autosomal dominant inheritance.
Comment: Potent mutations in HNF4A are associated with poor insulin secretion in response to hyperglycemia. Associated with MODY1. Patients initially respond well to sulfonylureas but eventually become insulin dependent. However, more evidence is required to ascertain the role of this particular variant rs940169046 in MODY, yet.

Literature cited by the submitters: DOI 10.1159/000334532 (cited by Clinical Genomics, Uppaluri K&H Personalized Medicine Clinic); PubMed 18268044 (cited by Clinical Genomics, Uppaluri K&H Personalized Medicine Clinic); PubMed 17563455 (cited by Clinical Genomics, Uppaluri K&H Personalized Medicine Clinic); PubMed 32583173 (cited by Clinical Genomics, Uppaluri K&H Personalized Medicine Clinic); PubMed 35052457 (cited by Clinical Genomics, Uppaluri K&H Personalized Medicine Clinic); PubMed 35118593 (cited by Clinical Genomics, Uppaluri K&H Personalized Medicine Clinic).